The following is an entry in ClinVar:

NM_000052.7(ATP7A):c.2695T>A (p.Ser899Thr)

Gene: ATP7A (ATPase copper transporting alpha; plus strand). Cytogenetic location: Xq21.1.
Variant type: single nucleotide variant.
Coding change: c.2695T>A on transcript NM_000052.7 (MANE Select); coding-DNA position 2695, T replaced by A.
Protein change: p.Ser899Thr; replaces serine 899 with threonine.
Molecular consequence: missense variant.
Genome position (GRCh38, 1-based): chrX:78,020,312, T>A. VCF-style: chrX-78020312-T-A. GRCh37 (hg19) VCF-style: chrX-77275809-T-A.
Other names: c.2461T>A, p.Ser821Thr (NM_001282224.2); short protein forms S821T, S899T.
Identifiers: ClinVar variation 4794438 (VCV004794438.1).

ClinVar aggregate classification (germline): Uncertain significance (1 of 4 stars; one submission).

Conditions:
Menkes kinky-hair syndrome (MNK). Also called: Classic Menkes Disease; Copper transport disease; Menkes Disease. Identifiers: Orphanet 565, MedGen C0022716, MONDO:0010651, OMIM 309400.
Cutis laxa, X-linked (OHS). Also called: EDS IX; Occipital horn syndrome. Identifiers: Orphanet 198, MedGen C0268353, MONDO:0010572, OMIM 304150.
X-linked distal spinal muscular atrophy type 3. Also called: ATP7A-Related Distal Motor Neuropathy; SPINAL MUSCULAR ATROPHY, DISTAL, X-LINKED RECESSIVE; NEURONOPATHY, DISTAL HEREDITARY MOTOR, X-LINKED; NEUROPATHY, DISTAL HEREDITARY MOTOR, X-LINKED. Identifiers: Orphanet 139557, MedGen C1845359, MONDO:0010338, OMIM 300489.

Submission:

Labcorp Genetics (formerly Invitae), Labcorp
Classification: Uncertain significance for X-linked distal spinal muscular atrophy type 3; Cutis laxa, X-linked; Menkes kinky-hair syndrome. Last evaluated: 2025-07-03. Review status: criteria provided, single submitter. Criteria: Invitae Variant Classification Sherloc (09022015). Collection method: clinical testing. Allele origin: germline.
Comment: This sequence change replaces serine, which is neutral and polar, with threonine, which is neutral and polar, at codon 899 of the ATP7A protein (p.Ser899Thr). This variant is not present in population databases (gnomAD no frequency). This variant has not been reported in the literature in individuals affected with ATP7A-related conditions. Invitae Evidence Modeling of protein sequence and biophysical properties (such as structural, functional, and spatial information, amino acid conservation, physicochemical variation, residue mobility, and thermodynamic stability) indicates that this missense variant is not expected to disrupt ATP7A protein function with a negative predictive value of 95%. In summary, the available evidence is currently insufficient to determine the role of this variant in disease. Therefore, it has been classified as a Variant of Uncertain Significance.